The following is an entry in ClinVar:

ClinVar aggregate classification (germline): Pathogenic/Likely pathogenic. Review status: criteria provided, multiple submitters, no conflicts (2 of 4 stars). 4 submissions from 4 submitters: Pathogenic (3); Likely pathogenic (1). Last evaluated 2025-05-12.

Conditions:
FLG-related disorder. Also called: FLG-related condition; FLG-related disorders.
Ichthyosis vulgaris. Also called: Dominant ichthyosis vulgaris; ICHTHYOSIS SIMPLEX. Identifiers: MedGen C0079584, MONDO:0024304, OMIM 146700.

Allele frequency attached by ClinVar (database versions not stated): TOPMed 0.00026; 1000 Genomes Project 30x 0.00031; ESP Exome Variant Server 0.00038; 1000 Genomes Project 0.00040.
gnomAD v4.1: 57 of 1,614,096 alleles (0.0035%); highest among the groups gnomAD compares: African/African-American, 0.059%; no homozygotes.

Submissions (4):

GeneDx
Classification: Pathogenic. Last evaluated: 2025-05-12. Review status: criteria provided, single submitter. Criteria: GeneDx Variant Classification Process June 2021. Collection method: clinical testing. Allele origin: germline. Affected: yes.
Comment: Observed with a frequency of 0.07% among a large cohort of children with atopic dermatitis (PMID: 31365035); Nonsense variant predicted to result in protein truncation, as the last 244 amino acid(s) are lost, and other loss-of-function variants have been reported downstream in HGMD; This variant is associated with the following publications: (PMID: 32325630, 16444271, 31365035)

Genome-Nilou Lab
Classification: Pathogenic for Ichthyosis vulgaris. Last evaluated: 2023-04-11. Review status: criteria provided, single submitter. Criteria: ACMG Guidelines, 2015. Collection method: clinical testing. Allele origin: germline. Affected: no.

Baylor Genetics
Classification: Pathogenic for Ichthyosis vulgaris. Last evaluated: 2023-02-24. Review status: criteria provided, single submitter. Criteria: ACMG Guidelines, 2015. Collection method: clinical testing. Allele origin: unknown.

Blueprint Genetics
Classification: Likely pathogenic for FLG-related disorders. Last evaluated: 2022-01-10. Review status: criteria provided, single submitter. Criteria: ACMG Guidelines, 2015. Collection method: clinical testing. Allele origin: germline. Affected: yes. Observed: 2 variant alleles.

NM_002016.2(FLG):c.11452C>T (p.Gln3818Ter)

Genes: CCDST (cervical cancer associated DHX9 suppressive transcript; plus strand), FLG (filaggrin; minus strand). Cytogenetic location: 1q21.3.
Variant type: single nucleotide variant.
Coding change: c.11452C>T on transcript NM_002016.2 (MANE Select); coding-DNA position 11452, C replaced by T.
Protein change: p.Gln3818Ter; replaces glutamine 3818 with a stop codon.
Molecular consequence: nonsense.
Genome position (GRCh38, 1-based): chr1:152,303,434, G>A on the plus strand (C>T on the coding strand, the complement: FLG is on the minus strand). VCF-style: chr1-152303434-G-A. GRCh37 (hg19) VCF-style: chr1-152275910-G-A.
Other names: short protein forms Q3818*.
Identifiers: ClinVar variation 280571 (VCV000280571.11), dbSNP rs148606936, ClinGen allele CA1102904.